The following is an entry in ClinVar:

Conditions:
Long QT syndrome 5 (LQT5). Identifiers: Orphanet 101016, Orphanet 768, MedGen C1867904, MONDO:0013372, OMIM 613695.

Submission:

Roden Lab, Vanderbilt University Medical Center
No classification provided (evidence only). Condition: Long QT syndrome 5. Review status: no classification provided. Collection method: in vitro. Allele origin: not applicable. Functional consequence: Effect on ion channel function.
ClinVar note: "not provided" was previously submitted as the classification for the variant. However, the classification appeared to be based only on an observation of functional data so it was converted to no classification on 2025-07-30.

NM_000219.6(KCNE1):c.299T>G (p.Leu100Arg)

Gene: KCNE1 (potassium voltage-gated channel subfamily E regulatory subunit 1; minus strand). Cytogenetic location: 21q22.12.
Variant type: single nucleotide variant.
Coding change: c.299T>G on transcript NM_000219.6 (MANE Select); coding-DNA position 299, T replaced by G.
Protein change: p.Leu100Arg; replaces leucine 100 with arginine.
Molecular consequence: missense variant.
Genome position (GRCh38, 1-based): chr21:34,449,336, A>C on the plus strand (T>G on the coding strand, the complement: KCNE1 is on the minus strand). VCF-style: chr21-34449336-A-C. GRCh37 (hg19) VCF-style: chr21-35821634-A-C.
Other names: c.299T>G, p.Leu100Arg (NM_001127668.4, NM_001127669.4, NM_001127670.4 and 4 more transcripts); short protein forms L100R.
Identifiers: ClinVar variation 3374570 (VCV003374570.2).